The following is an entry in ClinVar:

NM_001875.5(CPS1):c.3298A>T (p.Lys1100Ter)

Gene: CPS1 (carbamoyl-phosphate synthase 1; plus strand). Cytogenetic location: 2q34.
Variant type: single nucleotide variant.
Coding change: c.3298A>T on transcript NM_001875.5 (MANE Select); coding-DNA position 3298, A replaced by T.
Protein change: p.Lys1100Ter; replaces lysine 1100 with a stop codon.
Molecular consequence: nonsense. On other transcripts: non-coding transcript variant (2).
Genome position (GRCh38, 1-based): chr2:210,648,019, A>T. VCF-style: chr2-210648019-A-T. GRCh37 (hg19) VCF-style: chr2-211512743-A-T.
Other names: c.3298A>T, p.Lys1100Ter (NM_001122633.3, NM_001369257.1); c.3331A>T, p.Lys1111Ter (NM_001369256.1); short protein forms K1100*, K1111*.
Identifiers: ClinVar variation 1724611 (VCV001724611.2), dbSNP rs2469293354, ClinGen allele CA350436322.

ClinVar aggregate classification (germline): Likely pathogenic (1 of 4 stars; one submission).

Conditions:
Congenital hyperammonemia, type I. Also called: Carbamoyl phosphate synthetase 1 deficiency; Hyperammonemia due to carbamoyl phosphate synthetase 1 deficiency; CPS 1 deficiency; Carbamyl phosphate synthetase (CPS) deficiency; CPS I DEFICIENCY; Carbamoyl-phosphate synthase I deficiency. Identifiers: Orphanet 147, MedGen C4082171, MONDO:0009376, OMIM 237300.

Submission:

Myriad Genetics, Inc.
Classification: Likely pathogenic for Congenital hyperammonemia, type I. Last evaluated: 2022-02-21. Review status: criteria provided, single submitter. Criteria: Myriad Women's Health Autosomal Recessive and X-Linked Classification Criteria (2021). Collection method: clinical testing. Allele origin: unknown.
Comment: NM_001875.4(CPS1):c.3298A>T(K1100*) is expected to be pathogenic in the context of carbamoylphosphate synthetase I deficiency. This variant is predicted to lead to an abnormal or absent protein product due to the creation of a premature termination codon in CPS1, a gene where loss-of-function variants are known to be pathogenic. Please note: this variant was assessed in the context of healthy population screening.